The following is an entry in ClinVar:

ClinVar aggregate classification (germline): Likely benign (1 of 4 stars; one submission).

Conditions:
RPS6KA3-related disorder. Also called: RPS6KA3-related condition.

Submission:

PreventionGenetics, part of Exact Sciences
Classification: Likely benign for RPS6KA3-related condition. Last evaluated: 2025-12-30. Review status: criteria provided, single submitter. Criteria: ACMG Guidelines, 2015. Collection method: clinical testing. Allele origin: germline.
Comment: This variant is classified as likely benign based on ACMG/AMP sequence variant interpretation guidelines (Richards et al. 2015 PMID: 25741868, with internal and published modifications).

NM_004586.3(RPS6KA3):c.2130G>A (p.Leu710=)

Gene: RPS6KA3 (ribosomal protein S6 kinase A3; minus strand). Cytogenetic location: Xp22.12.
Variant type: single nucleotide variant.
Coding change: c.2130G>A on transcript NM_004586.3 (MANE Select); coding-DNA position 2130, G replaced by A.
Protein change: p.Leu710=; no amino-acid change (leucine 710 retained).
Molecular consequence: synonymous variant.
Genome position (GRCh38, 1-based): chrX:20,155,491, C>T on the plus strand (G>A on the coding strand, the complement: RPS6KA3 is on the minus strand). VCF-style: chrX-20155491-C-T. GRCh37 (hg19) VCF-style: chrX-20173609-C-T.
Other names: c.2046G>A, p.Leu682= (NM_001438340.1).
Identifiers: ClinVar variation 4982659 (VCV004982659.1).